The following is an entry in ClinVar:

NM_001122955.4(BSCL2):c.1379C>T (p.Ser460Phe)

Genes: BSCL2 (BSCL2 lipid droplet biogenesis associated, seipin; minus strand), HNRNPUL2-BSCL2 (HNRNPUL2-BSCL2 readthrough (NMD candidate); minus strand). Cytogenetic location: 11q12.3.
Variant type: single nucleotide variant.
Coding change: c.1379C>T on transcript NM_001122955.4 (MANE Select); coding-DNA position 1379, C replaced by T.
Protein change: p.Ser460Phe; replaces serine 460 with phenylalanine.
Molecular consequence: missense variant. On other transcripts: non-coding transcript variant (1), 3 prime UTR variant (1).
Genome position (GRCh38, 1-based): chr11:62,690,377, G>A on the plus strand (C>T on the coding strand, the complement: BSCL2 is on the minus strand). VCF-style: chr11-62690377-G-A. GRCh37 (hg19) VCF-style: chr11-62457849-G-A.
Other names: c.*181C>T (NM_001130702.2); c.1385C>T, p.Ser462Phe (NM_001386027.1); c.1379C>T, p.Ser460Phe (NM_001386028.1); c.1187C>T, p.Ser396Phe (NM_032667.6); short protein forms S396F, S460F, S462F.
Identifiers: ClinVar variation 3368223 (VCV003368223.1).

ClinVar aggregate classification (germline): Uncertain significance (1 of 4 stars; one submission).

Submission:

GeneDx
Classification: Uncertain significance. Last evaluated: 2024-01-24. Review status: criteria provided, single submitter. Criteria: GeneDx Variant Classification Process June 2021. Collection method: clinical testing. Allele origin: germline. Affected: yes.
Comment: Not observed at significant frequency in large population cohorts (gnomAD); In silico analysis supports that this missense variant has a deleterious effect on protein structure/function; Has not been previously published as pathogenic or benign to our knowledge